The following is an entry in ClinVar:

ClinVar aggregate classification (germline): Conflicting classifications of pathogenicity. Review status: criteria provided, conflicting classifications (1 of 4 stars). 5 submissions from 5 submitters: Uncertain significance (1); Likely benign (4). Last evaluated 2025-10-22.

Conditions:
Bethlem myopathy 1A. Also called: MYOPATHY, BENIGN CONGENITAL, WITH CONTRACTURES; Bethlem myopathy 1; Bethlem Muscular Dystrophy. Identifiers: Orphanet 610, MedGen CN029274, MONDO:0024530, OMIM 158810.

Allele frequency attached by ClinVar (database versions not stated): ExAC 0.00003; gnomAD 0.00003 and 0.00002; gnomAD exomes 0.00001; TOPMed 0.00002.
gnomAD v4.1: 31 of 1,612,254 alleles (0.0019%); highest among the groups gnomAD compares: Middle Eastern, 0.022%; no homozygotes.

Submissions (5):

Labcorp Genetics (formerly Invitae), Labcorp
Classification: Likely benign for Bethlem myopathy 1A. Last evaluated: 2025-10-22. Review status: criteria provided, single submitter. Criteria: Invitae Variant Classification Sherloc (09022015). Collection method: clinical testing. Allele origin: germline.

Blueprint Genetics
Classification: Likely benign. Last evaluated: 2024-09-23. Review status: criteria provided, single submitter. Criteria: ACMG Guidelines, 2015. Collection method: clinical testing. Allele origin: germline.

Dubai Health Genomic Medicine Center, Dubai Health
Classification: Likely benign. Last evaluated: 2019-12-15. Review status: criteria provided, single submitter. Criteria: ACMG Guidelines, 2015. Collection method: clinical testing. Allele origin: germline. Affected: yes.

GeneDx
Classification: Likely benign. Last evaluated: 2016-07-20. Review status: criteria provided, single submitter. Criteria: GeneDx Variant Classification (06012015). Collection method: clinical testing. Allele origin: germline. Affected: yes.
Comment: This variant is considered likely benign or benign based on one or more of the following criteria: it is a conservative change, it occurs at a poorly conserved position in the protein, it is predicted to be benign by multiple in silico algorithms, and/or has population frequency not consistent with disease.

Eurofins Ntd Llc (ga)
Classification: Uncertain significance. Last evaluated: 2016-06-09. Review status: criteria provided, single submitter. Criteria: EGL Classification Definitions 2015. Collection method: clinical testing. Allele origin: germline. Observed: 1 variant allele, 1 heterozygote.

NM_004369.4(COL6A3):c.2497+9C>A

Gene: COL6A3 (collagen type VI alpha 3 chain; minus strand). Cytogenetic location: 2q37.3.
Variant type: single nucleotide variant.
Coding change: c.2497+9C>A on transcript NM_004369.4 (MANE Select); 9 bases into the intron after coding-DNA position 2497, C replaced by A.
Molecular consequence: intron variant.
Genome position (GRCh38, 1-based): chr2:237,378,627, G>T on the plus strand (C>A on the coding strand, the complement: COL6A3 is on the minus strand). VCF-style: chr2-237378627-G-T. GRCh37 (hg19) VCF-style: chr2-238287270-G-T.
Other names: c.677-1283C>A (NM_057166.5); c.1879+9C>A (NM_057167.4, NM_057165.5); c.1276+9C>A (NM_057164.5).
Identifiers: ClinVar variation 288645 (VCV000288645.19), dbSNP rs774198344, ClinGen allele CA2189400.